The following is an entry in ClinVar:

NM_024411.5(PDYN):c.80C>T (p.Ser27Phe)

Genes: PDYN (prodynorphin; minus strand), PDYN-AS1 (PDYN antisense RNA 1; plus strand). Cytogenetic location: 20p13.
Variant type: single nucleotide variant.
Coding change: c.80C>T on transcript NM_024411.5 (MANE Select); coding-DNA position 80, C replaced by T.
Protein change: p.Ser27Phe; replaces serine 27 with phenylalanine.
Molecular consequence: missense variant.
Genome position (GRCh38, 1-based): chr20:1,983,005, G>A on the plus strand (C>T on the coding strand, the complement: PDYN is on the minus strand). VCF-style: chr20-1983005-G-A. GRCh37 (hg19) VCF-style: chr20-1963651-G-A.
Other names: p.Ser27Phe; c.80C>T, p.Ser27Phe (NM_001190900.1, NM_001190892.1, NM_001190898.3 and 1 more transcripts); short protein forms S27F.
Identifiers: ClinVar variation 1693759 (VCV001693759.7), dbSNP rs536626217, ClinGen allele CA408004923.

ClinVar aggregate classification (germline): Uncertain significance. Review status: criteria provided, multiple submitters, no conflicts (2 of 4 stars). 2 submissions from 2 submitters: Uncertain significance (2). Last evaluated 2023-04-20.

gnomAD v4.1: 16 of 1,613,956 alleles (0.00099%); highest among the groups gnomAD compares: Non-Finnish European, 0.0014%; no homozygotes.

Submissions (2):

Labcorp Genetics (formerly Invitae), Labcorp
Classification: Uncertain significance. Last evaluated: 2023-04-20. Review status: criteria provided, single submitter. Criteria: Invitae Variant Classification Sherloc (09022015). Collection method: clinical testing. Allele origin: germline.
Comment: This variant is present in population databases (no rsID available, gnomAD 0.002%). This sequence change replaces serine, which is neutral and polar, with phenylalanine, which is neutral and non-polar, at codon 27 of the PDYN protein (p.Ser27Phe). This variant has not been reported in the literature in individuals affected with PDYN-related conditions. ClinVar contains an entry for this variant (Variation ID: 1693759). Advanced modeling of protein sequence and biophysical properties (such as structural, functional, and spatial information, amino acid conservation, physicochemical variation, residue mobility, and thermodynamic stability) performed at Invitae indicates that this missense variant is not expected to disrupt PDYN protein function. In summary, the available evidence is currently insufficient to determine the role of this variant in disease. Therefore, it has been classified as a Variant of Uncertain Significance.

Mayo Clinic Laboratories, Mayo Clinic
Classification: Uncertain significance. Last evaluated: 2021-06-25. Review status: criteria provided, single submitter. Criteria: ACMG Guidelines, 2015. Collection method: clinical testing. Allele origin: germline.